The following is an entry in ClinVar:

NM_000535.7(PMS2):c.1682A>G (p.Lys561Arg)

Gene: PMS2 (PMS1 homolog 2, mismatch repair system component; minus strand). Cytogenetic location: 7p22.1.
Variant type: single nucleotide variant.
Coding change: c.1682A>G on transcript NM_000535.7 (MANE Select); coding-DNA position 1682, A replaced by G.
Protein change: p.Lys561Arg; replaces lysine 561 with arginine.
Molecular consequence: missense variant. On other transcripts: non-coding transcript variant (1).
Genome position (GRCh38, 1-based): chr7:5,987,083, T>C on the plus strand (A>G on the coding strand, the complement: PMS2 is on the minus strand). VCF-style: chr7-5987083-T-C. GRCh37 (hg19) VCF-style: chr7-6026714-T-C.
Other names: c.1277A>G, p.Lys426Arg (NM_001322003.2, NM_001322004.2, NM_001322005.2 and 1 more transcripts); c.1526A>G, p.Lys509Arg (NM_001322006.2); c.1364A>G, p.Lys455Arg (NM_001322007.2, NM_001322008.2); c.1121A>G, p.Lys374Arg (NM_001322010.2); c.749A>G, p.Lys250Arg (NM_001322011.2, NM_001322012.2); c.1109A>G, p.Lys370Arg (NM_001322013.2); c.1682A>G, p.Lys561Arg (NM_001322014.2); c.1373A>G, p.Lys458Arg (NM_001322015.2); short protein forms K250R, K370R, K374R, K426R, K455R, K458R, K509R, K561R.
Identifiers: ClinVar variation 1050749 (VCV001050749.1), dbSNP rs876658481, ClinGen allele CA366741221.

ClinVar aggregate classification (germline): Uncertain significance (0 of 4 stars; one submission).

Conditions:
Lynch syndrome. Identifiers: Orphanet 144, MedGen C4552100, MONDO:0005835. Disease mechanism: loss of function.

gnomAD v4.1: 1 of 1,614,160 alleles (0.000062%); highest among the groups gnomAD compares: Non-Finnish European, 0.000085%; no homozygotes.

Submission:

Department of Pathology and Laboratory Medicine, Sinai Health System
Classification: Uncertain significance for Lynch syndrome. Review status: no assertion criteria provided. Collection method: clinical testing. Allele origin: unknown. Affected: yes. Study: The Canadian Open Genetics Repository (COGR).
Comment: The PMS2 p.Lys561Arg variant was not identified in the literature nor was it identified in the dbSNP, ClinVar, GeneInsight-COGR, Cosmic, MutDB, Zhejiang University Database, Mismatch Repair Genes Variant Database, or Insight Hereditary Tumors Database, databases. The variant was also not identified in the following control databases: the Exome Aggregation Consortium (August 8th 2016), or the Genome Aggregation Database (Feb 27, 2017). The p.Lys561 residue is not conserved in mammals and computational analyses (PolyPhen-2, SIFT, AlignGVGD, BLOSUM, MutationTaster) do not suggest a high likelihood of impact to the protein; however, this information is not predictive enough to rule out pathogenicity. The variant occurs outside of the splicing consensus sequence and 2 of 4 in silico or computational prediction software programs (SpliceSiteFinder, MaxEntScan, NNSPLICE, GeneSplicer) predict a greater than 10% difference in splicing; this is not very predictive of pathogenicity. In summary, based on the above information the clinical significance of this variant cannot be determined with certainty at this time. This variant is classified as a variant of uncertain significance.